The following is an entry in ClinVar:

ClinVar aggregate classification (germline): Uncertain significance (1 of 4 stars; one submission).

Allele frequency attached by ClinVar (database versions not stated): gnomAD exomes 0.00001; TOPMed 0.00001; ExAC 0.00002.
gnomAD v4.1: 8 of 1,610,716 alleles (0.0005%); highest among the groups gnomAD compares: Admixed American, 0.0067%; no homozygotes.

Submission:

Labcorp Genetics (formerly Invitae), Labcorp
Classification: Uncertain significance. Last evaluated: 2022-05-03. Review status: criteria provided, single submitter. Criteria: Invitae Variant Classification Sherloc (09022015). Collection method: clinical testing. Allele origin: germline.
Comment: In summary, the available evidence is currently insufficient to determine the role of this variant in disease. Therefore, it has been classified as a Variant of Uncertain Significance. Algorithms developed to predict the effect of missense changes on protein structure and function are either unavailable or do not agree on the potential impact of this missense change (SIFT: "Deleterious"; PolyPhen-2: "Probably Damaging"; Align-GVGD: "Class C15"). This variant has not been reported in the literature in individuals affected with NPR3-related conditions. This variant is present in population databases (rs753947512, gnomAD 0.009%). This sequence change replaces aspartic acid, which is acidic and polar, with asparagine, which is neutral and polar, at codon 363 of the NPR3 protein (p.Asp363Asn).

NM_001204375.2(NPR3):c.1087G>A (p.Asp363Asn)

Gene: NPR3 (natriuretic peptide receptor 3; plus strand). Cytogenetic location: 5p13.3.
Variant type: single nucleotide variant.
Coding change: c.1087G>A on transcript NM_001204375.2 (MANE Select); coding-DNA position 1087, G replaced by A.
Protein change: p.Asp363Asn; replaces aspartic acid 363 with asparagine.
Molecular consequence: missense variant.
Genome position (GRCh38, 1-based): chr5:32,774,735, G>A. VCF-style: chr5-32774735-G-A. GRCh37 (hg19) VCF-style: chr5-32774841-G-A.
Other names: c.1087G>A, p.Asp363Asn (NM_000908.4); c.439G>A, p.Asp147Asn (NM_001204376.2, NM_001363652.2); c.367G>A, p.Asp123Asn (NM_001364458.2); c.316G>A, p.Asp106Asn (NM_001364460.2); short protein forms D106N, D363N, D123N, D147N.
Identifiers: ClinVar variation 1929563 (VCV001929563.5), dbSNP rs753947512, ClinGen allele CA3222544.